The following is an entry in ClinVar:

ClinVar aggregate classification (germline): Likely benign (0 of 4 stars; one submission).

Conditions:
XIRP1-related disorder. Also called: XIRP1-related condition.

Allele frequency attached by ClinVar (database versions not stated): gnomAD 0.00003; ExAC 0.00014.

Submission:

PreventionGenetics, part of Exact Sciences
Classification: Likely benign for XIRP1-related condition. Last evaluated: 2019-10-30. Review status: no assertion criteria provided. Collection method: clinical testing. Allele origin: germline.
Comment: This variant is classified as likely benign based on ACMG/AMP sequence variant interpretation guidelines (Richards et al. 2015 PMID: 25741868, with internal and published modifications).

NM_194293.4(XIRP1):c.3159C>T (p.Ala1053=)

Gene: XIRP1 (xin actin binding repeat containing 1; minus strand). Cytogenetic location: 3p22.2.
Variant type: single nucleotide variant.
Coding change: c.3159C>T on transcript NM_194293.4 (MANE Select); coding-DNA position 3159, C replaced by T.
Protein change: p.Ala1053=; no amino-acid change (alanine 1053 retained).
Molecular consequence: synonymous variant. On other transcripts: intron variant (1).
Genome position (GRCh38, 1-based): chr3:39,186,287, G>A on the plus strand (C>T on the coding strand, the complement: XIRP1 is on the minus strand). VCF-style: chr3-39186287-G-A. GRCh37 (hg19) VCF-style: chr3-39227778-G-A.
Other names: c.3159C>T, p.Ala1053= (NM_001198621.4); c.-167-626C>T (NM_001351377.2).
Identifiers: ClinVar variation 3045397 (VCV003045397.2), dbSNP rs754881671, ClinGen allele CA2326110.